The following is an entry in ClinVar:

NM_153704.6(TMEM67):c.1324A>G (p.Ile442Val)

Gene: TMEM67 (transmembrane protein 67; plus strand). Cytogenetic location: 8q22.1.
Variant type: single nucleotide variant.
Coding change: c.1324A>G on transcript NM_153704.6 (MANE Select); coding-DNA position 1324, A replaced by G.
Protein change: p.Ile442Val; replaces isoleucine 442 with valine.
Molecular consequence: missense variant. On other transcripts: non-coding transcript variant (1).
Genome position (GRCh38, 1-based): chr8:93,786,258, A>G. VCF-style: chr8-93786258-A-G. GRCh37 (hg19) VCF-style: chr8-94798486-A-G.
Other names: c.1081A>G, p.Ile361Val (NM_001142301.1); short protein forms I361V, I442V.
Identifiers: ClinVar variation 4994088 (VCV004994088.1).
Genomic context (GRCh38, chr8:93,786,258, plus strand): 5'-AACTTTTTTCTTTTTATAATAAAAGACAGCAACTCTGGAAAGTGGCTTCTAACTCGGCGC[A>G]TTTTCTTAGTGGATGCAGTAAGTGGACGAGAAAATGACTTAGGAACTCAGCCAAGAGTAA-3'
Protein context (NP_714915.3, residues 432-452): NSGKWLLTRR[Ile442Val]FLVDAVSGRE

ClinVar aggregate classification (germline): Uncertain significance (1 of 4 stars; one submission).

Conditions:
TMEM67-related disorder. Also called: TMEM67-related condition; TMEM67-related disorders. Identifiers: MedGen CN239423.

Submission:

PreventionGenetics, part of Exact Sciences
Classification: Uncertain significance for TMEM67-related condition. Last evaluated: 2026-06-03. Review status: criteria provided, single submitter. Criteria: ACMG Guidelines, 2015. Collection method: clinical testing. Allele origin: germline.
Comment: The TMEM67 c.1324A>G variant is predicted to result in the amino acid substitution p.Ile442Val. To our knowledge, this variant has not been reported in the literature or in a large population database (gnomAD), indicating this variant is rare. At this time, the clinical significance of this variant is uncertain due to the absence of conclusive functional and genetic evidence.